The following is an entry in ClinVar:

ClinVar aggregate classification (germline): Uncertain significance (1 of 4 stars; one submission).

Conditions:
Nephronophthisis. Also called: Juvenile Nephronophthisis. Identifiers: Orphanet 655, MedGen C0687120, MONDO:0019005, HP:0000090.

Allele frequency attached by ClinVar (database versions not stated): gnomAD exomes below 0.00001; ExAC 0.00001.
gnomAD v4.1: 4 of 1,613,932 alleles (0.00025%); highest among the groups gnomAD compares: Non-Finnish European, 0.00034%; no homozygotes.

Submission:

Labcorp Genetics (formerly Invitae), Labcorp
Classification: Uncertain significance for Nephronophthisis. Last evaluated: 2020-10-01. Review status: criteria provided, single submitter. Criteria: Invitae Variant Classification Sherloc (09022015). Collection method: clinical testing. Allele origin: germline.
Comment: This variant has not been reported in the literature in individuals with INVS-related conditions. This variant is present in population databases (rs760384200, ExAC 0.001%). This sequence change replaces aspartic acid with asparagine at codon 336 of the INVS protein (p.Asp336Asn). The aspartic acid residue is highly conserved and there is a small physicochemical difference between aspartic acid and asparagine. In summary, the available evidence is currently insufficient to determine the role of this variant in disease. Therefore, it has been classified as a Variant of Uncertain Significance. Algorithms developed to predict the effect of missense changes on protein structure and function (SIFT, PolyPhen-2, Align-GVGD) all suggest that this variant is likely to be tolerated, but these predictions have not been confirmed by published functional studies and their clinical significance is uncertain.

NM_014425.5(INVS):c.1006G>A (p.Asp336Asn)

Gene: INVS (inversin; plus strand). Cytogenetic location: 9q31.1.
Variant type: single nucleotide variant.
Coding change: c.1006G>A on transcript NM_014425.5 (MANE Select); coding-DNA position 1006, G replaced by A.
Protein change: p.Asp336Asn; replaces aspartic acid 336 with asparagine.
Molecular consequence: missense variant. On other transcripts: non-coding transcript variant (1).
Genome position (GRCh38, 1-based): chr9:100,246,715, G>A. VCF-style: chr9-100246715-G-A. GRCh37 (hg19) VCF-style: chr9-103008997-G-A.
Other names: c.718G>A, p.Asp240Asn (NM_001318381.2); c.28G>A, p.Asp10Asn (NM_001318382.2); short protein forms D10N, D240N, D336N.
Identifiers: ClinVar variation 1003184 (VCV001003184.8), dbSNP rs760384200, ClinGen allele CA5158303.
Genomic context (GRCh38, chr9:100,246,715, plus strand): 5'-GATGATTCAGACCTGGAAGGAAGAACATCCTTTATGTGGGCAGCTGGCAAAGGCAGTGAT[G>A]ATGTCCTTAGAACTATGCTGAGCTTAAAATCGGACATAGATATTAACATGGCTGACAAAT-3'
Protein context (NP_055240.2, residues 326-346): FMWAAGKGSD[Asp336Asn]VLRTMLSLKS